The following is an entry in ClinVar:

ClinVar aggregate classification (germline): Uncertain significance (1 of 4 stars; one submission).

Conditions:
Hypoplastic left heart syndrome. Also called: Hypoplastic left ventricle; Hypoplastic left heart. Identifiers: Orphanet 2248, MedGen C0152101, MONDO:0004933, HP:0004383.

Submission:

Labcorp Genetics (formerly Invitae), Labcorp
Classification: Uncertain significance for Hypoplastic left heart syndrome. Last evaluated: 2024-10-21. Review status: criteria provided, single submitter. Criteria: Invitae Variant Classification Sherloc (09022015). Collection method: clinical testing. Allele origin: germline.
Comment: This sequence change replaces arginine, which is basic and polar, with serine, which is neutral and polar, at codon 91 of the HAND1 protein (p.Arg91Ser). This variant is present in population databases (no rsID available, gnomAD 0.009%). This variant has not been reported in the literature in individuals affected with HAND1-related conditions. ClinVar contains an entry for this variant (Variation ID: 1399711). An algorithm developed to predict the effect of missense changes on protein structure and function (PolyPhen-2) suggests that this variant is likely to be tolerated. In summary, the available evidence is currently insufficient to determine the role of this variant in disease. Therefore, it has been classified as a Variant of Uncertain Significance.

NM_004821.3(HAND1):c.271C>A (p.Arg91Ser)

Gene: HAND1 (heart and neural crest derivatives expressed 1; minus strand). Cytogenetic location: 5q33.2.
Variant type: single nucleotide variant.
Coding change: c.271C>A on transcript NM_004821.3 (MANE Select); coding-DNA position 271, C replaced by A.
Protein change: p.Arg91Ser; replaces arginine 91 with serine.
Molecular consequence: missense variant.
Genome position (GRCh38, 1-based): chr5:154,477,738, G>T on the plus strand (C>A on the coding strand, the complement: HAND1 is on the minus strand). VCF-style: chr5-154477738-G-T. GRCh37 (hg19) VCF-style: chr5-153857298-G-T.
Other names: short protein forms R91S.
Identifiers: ClinVar variation 1399711 (VCV001399711.8), dbSNP rs369296058, ClinGen allele CA361922913.